The following is an entry in ClinVar:

NM_173630.4(RTTN):c.2183A>C (p.Asp728Ala)

Gene: RTTN (rotatin; minus strand). Cytogenetic location: 18q22.2.
Variant type: single nucleotide variant.
Coding change: c.2183A>C on transcript NM_173630.4 (MANE Select); coding-DNA position 2183, A replaced by C.
Protein change: p.Asp728Ala; replaces aspartic acid 728 with alanine.
Molecular consequence: missense variant. On other transcripts: 5 prime UTR variant (1).
Genome position (GRCh38, 1-based): chr18:70,149,027, T>G on the plus strand (A>C on the coding strand, the complement: RTTN is on the minus strand). VCF-style: chr18-70149027-T-G. GRCh37 (hg19) VCF-style: chr18-67816263-T-G.
Other names: c.-465A>C (NM_001318520.2); short protein forms D728A.
Identifiers: ClinVar variation 212077 (VCV000212077.8), dbSNP rs370674668, ClinGen allele CA209240.

ClinVar aggregate classification (germline): Uncertain significance. Review status: criteria provided, multiple submitters, no conflicts (2 of 4 stars). 3 submissions from 3 submitters: Uncertain significance (3). Last evaluated 2025-10-28.

Conditions:
RTTN-related disorder. Also called: RTTN-related condition.

Allele frequency attached by ClinVar (database versions not stated): ESP Exome Variant Server 0.00008; TOPMed 0.00009; gnomAD 0.00010 and 0.00011.
gnomAD v4.1: 464 of 1,613,136 alleles (0.029%); highest among the groups gnomAD compares: Non-Finnish European, 0.037%; no homozygotes.

Submissions (3):

PreventionGenetics, part of Exact Sciences
Classification: Uncertain significance for RTTN-related condition. Last evaluated: 2025-10-28. Review status: criteria provided, single submitter. Criteria: ACMG Guidelines, 2015. Collection method: clinical testing. Allele origin: germline.
Comment: The RTTN c.2183A>C variant is predicted to result in the amino acid substitution p.Asp728Ala. To our knowledge, this variant has not been reported in the literature. This variant is reported in 0.017% of alleles in individuals of European (Non-Finnish) descent in gnomAD. At this time, the clinical significance of this variant is uncertain due to the absence of conclusive functional and genetic evidence.

Blueprint Genetics
Classification: Uncertain significance. Last evaluated: 2024-10-04. Review status: criteria provided, single submitter. Criteria: ACMG Guidelines, 2015. Collection method: clinical testing. Allele origin: germline.

Genetic Services Laboratory, University of Chicago
Classification: Uncertain significance. Last evaluated: 2014-05-28. Review status: criteria provided, single submitter. Criteria: ACMG Guidelines, 2015. Collection method: clinical testing. Allele origin: germline.